The following is an entry in ClinVar:

ClinVar aggregate classification (germline): Uncertain significance (1 of 4 stars; one submission).

Conditions:
Conotruncal heart malformations (CTHM). Also called: Conotruncal heart malformations, variable. Identifiers: Orphanet 2445, Orphanet 3384, Orphanet 3426, MedGen C1857586, MONDO:0016581, OMIM 217095.

Allele frequency attached by ClinVar (database versions not stated): gnomAD exomes 0.00008; ExAC 0.00010; gnomAD 0.00011; TOPMed 0.00011; 1000 Genomes Project 0.00040; 1000 Genomes Project 30x 0.00062.

Submission:

Labcorp Genetics (formerly Invitae), Labcorp
Classification: Uncertain significance for Conotruncal heart malformations. Last evaluated: 2025-09-03. Review status: criteria provided, single submitter. Criteria: Invitae Variant Classification Sherloc (09022015). Collection method: clinical testing. Allele origin: germline.
Comment: This sequence change replaces asparagine, which is neutral and polar, with lysine, which is basic and polar, at codon 57 of the NKX2-6 protein (p.Asn57Lys). This variant is present in population databases (rs558299051, gnomAD 0.06%). This variant has not been reported in the literature in individuals affected with NKX2-6-related conditions. ClinVar contains an entry for this variant (Variation ID: 1001000). Invitae Evidence Modeling of protein sequence and biophysical properties (such as structural, functional, and spatial information, amino acid conservation, physicochemical variation, residue mobility, and thermodynamic stability) indicates that this missense variant is not expected to disrupt NKX2-6 protein function with a negative predictive value of 80%. In summary, the available evidence is currently insufficient to determine the role of this variant in disease. Therefore, it has been classified as a Variant of Uncertain Significance.

NM_001136271.3(NKX2-6):c.171C>A (p.Asn57Lys)

Gene: NKX2-6 (NK2 homeobox 6; minus strand). Cytogenetic location: 8p21.2.
Variant type: single nucleotide variant.
Coding change: c.171C>A on transcript NM_001136271.3 (MANE Select); coding-DNA position 171, C replaced by A.
Protein change: p.Asn57Lys; replaces asparagine 57 with lysine.
Molecular consequence: missense variant.
Genome position (GRCh38, 1-based): chr8:23,706,428, G>T on the plus strand (C>A on the coding strand, the complement: NKX2-6 is on the minus strand). VCF-style: chr8-23706428-G-T. GRCh37 (hg19) VCF-style: chr8-23563941-G-T.
Other names: short protein forms N57K.
Identifiers: ClinVar variation 1001000 (VCV001001000.5), dbSNP rs558299051, ClinGen allele CA4678014.